The following is an entry in ClinVar:

ClinVar aggregate classification (germline): Uncertain significance. Review status: criteria provided, multiple submitters, no conflicts (2 of 4 stars). 2 submissions from 2 submitters: Uncertain significance (2). Last evaluated 2022-08-09.

Conditions:
Multiple acyl-CoA dehydrogenase deficiency (MADD). Also called: Glutaric aciduria, type 2; Glutaric acidemia type II; GA 2; ETHYLMALONIC-ADIPICACIDURIA; GA II; Glutaric Acidemia type 2. Identifiers: Orphanet 26791, MedGen C0268596, MONDO:0009282, OMIM 231680.

Allele frequency attached by ClinVar (database versions not stated): ExAC 0.00001; gnomAD exomes below 0.00001 and 0.00002; TOPMed 0.00001.

Submissions (2):

Labcorp Genetics (formerly Invitae), Labcorp
Classification: Uncertain significance for Multiple acyl-CoA dehydrogenase deficiency. Last evaluated: 2022-08-09. Review status: criteria provided, single submitter. Criteria: Invitae Variant Classification Sherloc (09022015). Collection method: clinical testing. Allele origin: germline.
Comment: This sequence change replaces threonine, which is neutral and polar, with alanine, which is neutral and non-polar, at codon 270 of the ETFDH protein (p.Thr270Ala). This variant is present in population databases (rs398124154, gnomAD 0.003%). This variant has not been reported in the literature in individuals affected with ETFDH-related conditions. ClinVar contains an entry for this variant (Variation ID: 95074). Advanced modeling of protein sequence and biophysical properties (such as structural, functional, and spatial information, amino acid conservation, physicochemical variation, residue mobility, and thermodynamic stability) performed at Invitae indicates that this missense variant is not expected to disrupt ETFDH protein function. In summary, the available evidence is currently insufficient to determine the role of this variant in disease. Therefore, it has been classified as a Variant of Uncertain Significance.

Eurofins Ntd Llc (ga)
Classification: Uncertain significance. Last evaluated: 2012-07-10. Review status: criteria provided, single submitter. Criteria: EGL Classification Definitions 2015. Collection method: clinical testing. Allele origin: germline. Observed: 1 variant allele, 1 heterozygote.

NM_004453.4(ETFDH):c.808A>G (p.Thr270Ala)

Gene: ETFDH (electron transfer flavoprotein dehydrogenase; plus strand). Cytogenetic location: 4q32.1.
Variant type: single nucleotide variant.
Coding change: c.808A>G on transcript NM_004453.4 (MANE Select); coding-DNA position 808, A replaced by G.
Protein change: p.Thr270Ala; replaces threonine 270 with alanine.
Molecular consequence: missense variant.
Genome position (GRCh38, 1-based): chr4:158,695,620, A>G. VCF-style: chr4-158695620-A-G. GRCh37 (hg19) VCF-style: chr4-159616772-A-G.
Other names: c.667A>G, p.Thr223Ala (NM_001281737.2); c.625A>G, p.Thr209Ala (NM_001281738.1); short protein forms T270A, T209A, T223A.
Identifiers: ClinVar variation 95074 (VCV000095074.8), dbSNP rs398124154, ClinGen allele CA222711.